The following is an entry in ClinVar:

NM_001243133.2(NLRP3):c.269C>T (p.Pro90Leu)

Gene: NLRP3 (NLR family pyrin domain containing 3; plus strand). Cytogenetic location: 1q44.
Variant type: single nucleotide variant.
Coding change: c.269C>T on transcript NM_001243133.2 (MANE Select); coding-DNA position 269, C replaced by T.
Protein change: p.Pro90Leu; replaces proline 90 with leucine.
Molecular consequence: missense variant.
Genome position (GRCh38, 1-based): chr1:247,419,069, C>T. VCF-style: chr1-247419069-C-T. GRCh37 (hg19) VCF-style: chr1-247582371-C-T.
Other names: c.269C>T, p.Pro90Leu (NM_001079821.3, NM_001127461.3, NM_001127462.3 and 1 more transcripts); c.275C>T, p.Pro92Leu (NM_004895.5); short protein forms P92L, P90L.
Identifiers: ClinVar variation 618255 (VCV000618255.13), dbSNP rs145774400, ClinGen allele CA1494777.
Genomic context (GRCh38, chr1:247,419,069, plus strand): 5'-TGTGGATCTTCGCTGCGATCAACAGGAGAGACCTTTATGAGAAAGCAAAAAGAGATGAGC[C>T]GAAGTGGGGTGAGTGGAAGGAAGACTTTTAAAAAAAATTGTGGCCAAGTGCACATAGTGT-3'
Protein context (NP_001230062.1, residues 80-100): DLYEKAKRDE[Pro90Leu]KWGSDNARVS

ClinVar aggregate classification (germline): Conflicting classifications of pathogenicity. Review status: criteria provided, conflicting classifications (1 of 4 stars). 2 submissions from 2 submitters: Uncertain significance (1); Likely benign (1). Last evaluated 2026-01-17.

Conditions:
Cryopyrin associated periodic syndrome (CAPS). Identifiers: Orphanet 208650, MedGen C2316212, MONDO:0016168.

Allele frequency attached by ClinVar (database versions not stated): ExAC 0.00002; gnomAD exomes 0.00003; TOPMed 0.00004; ESP Exome Variant Server 0.00008.
gnomAD v4.1: 26 of 1,610,022 alleles (0.0016%); highest among the groups gnomAD compares: Admixed American, 0.0033%; no homozygotes.

Submissions (2):

Labcorp Genetics (formerly Invitae), Labcorp
Classification: Likely benign for Cryopyrin associated periodic syndrome. Last evaluated: 2026-01-17. Review status: criteria provided, single submitter. Criteria: Invitae Variant Classification Sherloc (09022015). Collection method: clinical testing. Allele origin: germline.

ARUP Laboratories, Molecular Genetics and Genomics, ARUP Laboratories
Classification: Uncertain significance. Last evaluated: 2017-08-27. Review status: criteria provided, single submitter. Criteria: ARUP Molecular Germline Variant Investigation Process. Collection method: clinical testing. Allele origin: germline.
Comment: The NLRP3 c.275C>T;p.Pro92Leu variant has not been described in the medical literature, in gene-specific databases, or in the ClinVar database. The variant is listed in the dbSNP variant database (rs145774400) with an allele frequency of 0.0077 percent (1/13005 alleles) in the Exome Variant Server and 0.002598 percent (7/269482 alleles) in the Genome Aggregation Database. The amino acid at this position is not well conserved across species, several mammals have a leucine at this position, and computational algorithms (AlignGVGD, PolyPhen2, SIFT) predict this variant is tolerated. Taken together, there is insufficient evidence to classify this variant with certainty. Pathogenic NLRP3 variants are causative for autosomal dominant Muckle-Wells syndrome, CINCA syndrome, or familial cold induced inflammatory syndrome (MIM#606416).